The following is an entry in ClinVar:

ClinVar aggregate classification (germline): Uncertain significance (1 of 4 stars; one submission).

Conditions:
Cardiovascular phenotype. Identifiers: MedGen CN230736.

Submission:

Ambry Genetics
Classification: Uncertain significance for Cardiovascular phenotype. Last evaluated: 2023-12-10. Review status: criteria provided, single submitter. Criteria: Ambry Variant Classification Scheme 2023. Collection method: clinical testing. Allele origin: germline.
Comment: The p.T41I variant (also known as c.122C>T), located in coding exon 1 of the SNTA1 gene, results from a C to T substitution at nucleotide position 122. The threonine at codon 41 is replaced by isoleucine, an amino acid with similar properties. This amino acid position is conserved. In addition, this alteration is predicted to be tolerated by in silico analysis. Since supporting evidence is limited at this time, the clinical significance of this alteration remains unclear.

NM_003098.3(SNTA1):c.122C>T (p.Thr41Ile)

Genes: SNTA1 (syntrophin alpha 1; minus strand), LOC130065680 (ATAC-STARR-seq lymphoblastoid silent region 12812; plus strand). Cytogenetic location: 20q11.21.
Variant type: single nucleotide variant.
Coding change: c.122C>T on transcript NM_003098.3 (MANE Select); coding-DNA position 122, C replaced by T.
Protein change: p.Thr41Ile; replaces threonine 41 with isoleucine.
Molecular consequence: missense variant.
Genome position (GRCh38, 1-based): chr20:33,443,499, G>A on the plus strand (C>T on the coding strand, the complement: SNTA1 is on the minus strand). VCF-style: chr20-33443499-G-A. GRCh37 (hg19) VCF-style: chr20-32031305-G-A.
Other names: c.122C>T, p.Thr41Ile (NM_001424413.1, NM_001424414.1); short protein forms T41I.
Identifiers: ClinVar variation 3223108 (VCV003223108.1), dbSNP rs2515130441, ClinGen allele CA408634472.
Genomic context (GRCh38, chr20:33,443,499, plus strand): 5'-GGCTCCTGCTCCCGCGGAGCGCCGGGCTCGGGACCAGGGTCGCCGTCGGCGGGGCTCACG[G>A]TCAGCACGTCCTCCGCCAGACTCAGCAGCACCCGCTGCCATCGCTCGCCGCCGGCCCCCG-3'
Protein context (NP_003089.1, residues 31-51): VLLSLAEDVL[Thr41Ile]VSPADGDPGP